The following is an entry in ClinVar:

ClinVar aggregate classification (germline): Likely benign (1 of 4 stars; one submission).

Conditions:
Leigh syndrome (NULS). Also called: Leigh's necrotizing encephalopathy; Leigh's disease; Leigh Syndrome (mtDNA deletion); Leigh Disease; Subacute necrotizing encephalopathy; Necrotizing encephalopathy infantile subacute of Leigh. Identifiers: Orphanet 506, MedGen C2931891, MONDO:0009723, OMIM 256000.

Submission:

Wong Mito Lab, Molecular and Human Genetics, Baylor College of Medicine
Classification: Likely benign for Leigh syndrome. Last evaluated: 2019-10-17. Review status: criteria provided, single submitter. Criteria: Modified ACMG Guidelines (Unpublished). Collection method: clinical testing. Allele origin: germline.
Comment: The NC_012920.1:m.7784A>G (YP_003024029.1:p.Ile67Val) variant in MTCO2 gene is interpretated to be a Likely Benign variant based on the modified ACMG guidelines (unpublished). This variant meets the following evidence codes: BS1, BP4

NC_012920.1(MT-CO2):m.7784A>G

Gene: MT-CO2 (mitochondrially encoded cytochrome c oxidase II; plus strand).
Variant type: single nucleotide variant.
Genome position: chrM-7784-A-G.
Identifiers: ClinVar variation 692775 (VCV000692775.1), dbSNP rs1556423348, ClinGen allele CA414793722.